The following is an entry in ClinVar:

NM_004990.4(MARS1):c.1513G>A (p.Val505Ile)

Gene: MARS1 (methionyl-tRNA synthetase 1; plus strand). Cytogenetic location: 12q13.3.
Variant type: single nucleotide variant.
Coding change: c.1513G>A on transcript NM_004990.4 (MANE Select); coding-DNA position 1513, G replaced by A.
Protein change: p.Val505Ile; replaces valine 505 with isoleucine.
Molecular consequence: missense variant.
Genome position (GRCh38, 1-based): chr12:57,511,842, G>A. VCF-style: chr12-57511842-G-A. GRCh37 (hg19) VCF-style: chr12-57905625-G-A.
Other names: short protein forms V505I.
Identifiers: ClinVar variation 1799859 (VCV001799859.4), dbSNP rs1032041433, ClinGen allele CA237768093.
Genomic context (GRCh38, chr12:57,511,842, plus strand): 5'-TGGCTTCGGGATGGCCTCAAGCCACGCTGCATAACCCGAGACCTCAAATGGGGAACCCCT[G>A]TACCCTTAGAAGGTTTTGAAGACAAGGTAAAAACCCTTTTTTATTCATATCATTCAGCCT-3'
Protein context (NP_004981.2, residues 495-515): ITRDLKWGTP[Val505Ile]PLEGFEDKVF

ClinVar aggregate classification (germline): Uncertain significance. Review status: criteria provided, multiple submitters, no conflicts (2 of 4 stars). 2 submissions from 2 submitters: Uncertain significance (2). Last evaluated 2024-08-08.

Conditions:
Severe early-onset pulmonary alveolar proteinosis due to MARS deficiency. Also called: PULMONARY ALVEOLAR PROTEINOSIS, REUNION ISLAND; Interstitial lung and liver disease. Identifiers: Orphanet 440427, MedGen C4225400, MONDO:0014206, OMIM 615486.
Charcot-Marie-Tooth disease axonal type 2U. Also called: CHARCOT-MARIE-TOOTH NEUROPATHY, TYPE 2U; CHARCOT-MARIE-TOOTH DISEASE, AXONAL, AUTOSOMAL DOMINANT, TYPE 2U. Identifiers: Orphanet 397735, MedGen C4084821, MONDO:0014566, OMIM 616280.

Allele frequency attached by ClinVar (database versions not stated): gnomAD exomes below 0.00001; TOPMed 0.00001.
gnomAD v4.1: 1 of 1,614,144 alleles (0.000062%); highest among the groups gnomAD compares: Non-Finnish European, 0.000085%; no homozygotes.

Submissions (2):

Labcorp Genetics (formerly Invitae), Labcorp
Classification: Uncertain significance for Charcot-Marie-Tooth disease axonal type 2U; Severe early-onset pulmonary alveolar proteinosis due to MARS deficiency. Last evaluated: 2024-08-08. Review status: criteria provided, single submitter. Criteria: Invitae Variant Classification Sherloc (09022015). Collection method: clinical testing. Allele origin: germline.
Comment: This sequence change replaces valine, which is neutral and non-polar, with isoleucine, which is neutral and non-polar, at codon 505 of the MARS protein (p.Val505Ile). This variant is not present in population databases (gnomAD no frequency). This variant has not been reported in the literature in individuals affected with MARS-related conditions. ClinVar contains an entry for this variant (Variation ID: 1799859). An algorithm developed to predict the effect of missense changes on protein structure and function (PolyPhen-2) suggests that this variant is likely to be disruptive. In summary, the available evidence is currently insufficient to determine the role of this variant in disease. Therefore, it has been classified as a Variant of Uncertain Significance.

Ambry Genetics
Classification: Uncertain significance. Last evaluated: 2021-08-16. Review status: criteria provided, single submitter. Criteria: Ambry Variant Classification Scheme 2023. Collection method: clinical testing. Allele origin: germline.
Comment: The p.V505I variant (also known as c.1513G>A), located in coding exon 12 of the MARS gene, results from a G to A substitution at nucleotide position 1513. The valine at codon 505 is replaced by isoleucine, an amino acid with highly similar properties. This amino acid position is conserved. In addition, this alteration is predicted to be tolerated by in silico analysis. Since supporting evidence is limited at this time, the clinical significance of this alteration remains unclear.